The following is an entry in ClinVar:

ClinVar aggregate classification (germline): Uncertain significance (1 of 4 stars; one submission).

gnomAD v4.1: 14 of 1,614,230 alleles (0.00087%); highest among the groups gnomAD compares: South Asian, 0.013%; 1 homozygote.

Submission:

Labcorp Genetics (formerly Invitae), Labcorp
Classification: Uncertain significance. Last evaluated: 2024-06-24. Review status: criteria provided, single submitter. Criteria: Invitae Variant Classification Sherloc (09022015). Collection method: clinical testing. Allele origin: germline.
Comment: This sequence change replaces cysteine, which is neutral and slightly polar, with arginine, which is basic and polar, at codon 38 of the OAS1 protein (p.Cys38Arg). This variant is present in population databases (rs777041841, gnomAD 0.01%). This variant has not been reported in the literature in individuals affected with OAS1-related conditions. An algorithm developed to predict the effect of missense changes on protein structure and function (PolyPhen-2) suggests that this variant is likely to be disruptive. In summary, the available evidence is currently insufficient to determine the role of this variant in disease. Therefore, it has been classified as a Variant of Uncertain Significance.

NM_016816.4(OAS1):c.112T>C (p.Cys38Arg)

Genes: OAS1 (2'-5'-oligoadenylate synthetase 1; plus strand), LOC130008812 (ATAC-STARR-seq lymphoblastoid active region 7052; plus strand). Cytogenetic location: 12q24.13.
Variant type: single nucleotide variant.
Coding change: c.112T>C on transcript NM_016816.4 (MANE Select); coding-DNA position 112, T replaced by C.
Protein change: p.Cys38Arg; replaces cysteine 38 with arginine.
Molecular consequence: missense variant. On other transcripts: non-coding transcript variant (9).
Genome position (GRCh38, 1-based): chr12:112,907,151, T>C. VCF-style: chr12-112907151-T-C. GRCh37 (hg19) VCF-style: chr12-113344956-T-C.
Other names: c.112T>C, p.Cys38Arg (NM_001032409.3, NM_001320151.2, NM_001406020.1 and 10 more transcripts); short protein forms C38R.
Identifiers: ClinVar variation 3684720 (VCV003684720.2).